The following is an entry in ClinVar:

NM_031427.4(DNAL1):c.4-2del

Gene: DNAL1 (dynein axonemal light chain 1; plus strand). Cytogenetic location: 14q24.3.
Variant type: Deletion.
Coding change: c.4-2del on transcript NM_031427.4 (MANE Select); the canonical splice acceptor site of the intron before coding-DNA position 4, one base deleted (A; older notation c.4-2delA).
Molecular consequence: splice acceptor variant.
Genome position (GRCh38, 1-based): chr14:73,654,845, A deleted; the last of 3 consecutive A bases (chr14:73,654,843-73,654,845); deleting any one gives the same sequence. VCF-style (leftmost placement, unchanged base first): chr14-73654842-TA-T. GRCh37 (hg19) VCF-style: chr14-74121545-TA-T.
Other names: c.-114-2del (NM_001201366.2).
Identifiers: ClinVar variation 3353166 (VCV003353166.1).
Genomic context (GRCh38, chr14:73,654,842, plus strand): 5'-ATACATACATTCATACATACATACAACTTTGTTTTTTCTTTTCTTTCTTTTTTTTTTTTT[TA>T]AAGGCGAAAGCAACAACAATCAAAGAAGCCTTAGCGAGATGGGTGAGTACATGAGTTTTT-3'

ClinVar aggregate classification (germline): Likely benign (0 of 4 stars; one submission).

Conditions:
DNAL1-related disorder. Also called: DNAL1-related condition.

Submission:

PreventionGenetics, part of Exact Sciences
Classification: Likely benign for DNAL1-related condition. Last evaluated: 2024-04-18. Review status: no assertion criteria provided. Collection method: clinical testing. Allele origin: germline.
Comment: This variant is classified as likely benign based on ACMG/AMP sequence variant interpretation guidelines (Richards et al. 2015 PMID: 25741868, with internal and published modifications).